The following is an entry in ClinVar:

NM_000349.3(STAR):c.148_150del (p.Asn50del)

Gene: STAR (steroidogenic acute regulatory protein; minus strand). Cytogenetic location: 8p11.23.
Variant type: Deletion.
Coding change: c.148_150del on transcript NM_000349.3 (MANE Select); coding-DNA positions 148 to 150, 3 bases deleted (AAC; older notation c.148_150delAAC).
Protein change: p.Asn50del; deletes asparagine 50.
Molecular consequence: inframe deletion.
Genome position (GRCh38, 1-based): chr8:38,148,669-38,148,671, GTT deleted on the plus strand (AAC on the coding strand, the reverse complement: STAR is on the minus strand). VCF-style (leftmost placement, unchanged base first): chr8-38148668-GGTT-G. GRCh37 (hg19) VCF-style: chr8-38006186-GGTT-G.
Other names: short protein forms N50del.
Identifiers: ClinVar variation 5004408 (VCV005004408.1).
Genomic context (GRCh38, chr8:38,148,668, plus strand): 5'-CAGCACCAGGAGCCCAGAAGCCTCAGCACTTACCGAGTAGAGAGCTCCGCCGCCGAACCT[GGTT>G]AATCCACGTGCTAGGGGTGGGGCCCCCCAGGGCCCTCCGGTTCAGCTCCTGGCTGATGGC-3'

ClinVar aggregate classification (germline): Uncertain significance (1 of 4 stars; one submission).

Conditions:
Congenital lipoid adrenal hyperplasia due to STAR deficency. Also called: Lipoid adrenal hyperplasia; Congenital Lipoid Adrenal Hyperplasia; Cholesterol monooxygenase (side-chain cleaving) deficiency; ADRENAL HYPERPLASIA I. Identifiers: Orphanet 418, Orphanet 90790, MedGen C0342474, MONDO:0008725, OMIM 201710.

Submission:

Myriad Genetics, Inc.
Classification: Uncertain significance for Congenital lipoid adrenal hyperplasia due to STAR deficency. Last evaluated: 2026-01-20. Review status: criteria provided, single submitter. Criteria: Myriad Autosomal Dominant, Autosomal Recessive and X-Linked Classification Criteria (2023). Collection method: clinical testing. Allele origin: unknown.
Comment: NM_000349.2(STAR):c.148_150delAAC(N50del) is an in-frame deletion classified as a variant of uncertain significance in the context of lipoid congenital adrenal hyperplasia. N50del has not been observed in cases with relevant disease. Relevant functional assessments of this variant are not available in the literature. N50del has not been observed in referenced population frequency databases. In summary, there is insufficient evidence to classify NM_000349.2(STAR):c.148_150delAAC(N50del) as pathogenic or benign. Please note: this variant was assessed in the context of healthy population screening.